The following is an entry in ClinVar:

NM_138713.4(NFAT5):c.2740A>G (p.Met914Val)

Gene: NFAT5 (nuclear factor of activated T cells 5; plus strand). Cytogenetic location: 16q22.1.
Variant type: single nucleotide variant.
Coding change: c.2740A>G on transcript NM_138713.4 (MANE Select); coding-DNA position 2740, A replaced by G.
Protein change: p.Met914Val; replaces methionine 914 with valine.
Molecular consequence: missense variant.
Genome position (GRCh38, 1-based): chr16:69,692,565, A>G. VCF-style: chr16-69692565-A-G. GRCh37 (hg19) VCF-style: chr16-69726468-A-G.
Other names: c.2737A>G, p.Met913Val (NM_001113178.3); c.2065A>G, p.Met689Val (NM_001367709.1); c.2686A>G, p.Met896Val (NM_006599.4); c.2458A>G, p.Met820Val (NM_138714.4, NM_173214.3, NM_173215.3); short protein forms M896V, M689V, M913V, M820V, M914V.
Identifiers: ClinVar variation 2972294 (VCV002972294.3), dbSNP rs1597571430, ClinGen allele CA396510685.

ClinVar aggregate classification (germline): Uncertain significance (1 of 4 stars; one submission).

Conditions:
Immunodeficiency. Identifiers: MedGen C0021051, MONDO:0021094, HP:0002721.

Allele frequency attached by ClinVar (database versions not stated): TOPMed 0.00001; gnomAD exomes 0.00001.
gnomAD v4.1: 8 of 1,614,194 alleles (0.0005%); highest among the groups gnomAD compares: Non-Finnish European, 0.00068%; no homozygotes.

Submission:

Labcorp Genetics (formerly Invitae), Labcorp
Classification: Uncertain significance for Immunodeficiency. Last evaluated: 2025-10-05. Review status: criteria provided, single submitter. Criteria: Invitae Variant Classification Sherloc (09022015). Collection method: clinical testing. Allele origin: germline.
Comment: This sequence change replaces methionine, which is neutral and non-polar, with valine, which is neutral and non-polar, at codon 820 of the NFAT5 protein (p.Met820Val). This variant is not present in population databases (gnomAD no frequency). This variant has not been reported in the literature in individuals affected with NFAT5-related conditions. ClinVar contains an entry for this variant (Variation ID: 2972294). An algorithm developed to predict the effect of missense changes on protein structure and function (PolyPhen-2) suggests that this variant is likely to be disruptive. In summary, the available evidence is currently insufficient to determine the role of this variant in disease. Therefore, it has been classified as a Variant of Uncertain Significance.